The following is an entry in ClinVar:

NM_000384.3(APOB):c.13091A>G (p.Gln4364Arg)

Gene: APOB (apolipoprotein B; minus strand). Cytogenetic location: 2p24.1.
Variant type: single nucleotide variant.
Coding change: c.13091A>G on transcript NM_000384.3 (MANE Select); coding-DNA position 13091, A replaced by G.
Protein change: p.Gln4364Arg; replaces glutamine 4364 with arginine.
Molecular consequence: missense variant.
Genome position (GRCh38, 1-based): chr2:21,002,331, T>C on the plus strand (A>G on the coding strand, the complement: APOB is on the minus strand). VCF-style: chr2-21002331-T-C. GRCh37 (hg19) VCF-style: chr2-21225203-T-C.
Other names: short protein forms Q4364R.
Identifiers: ClinVar variation 4793931 (VCV004793931.1).

ClinVar aggregate classification (germline): Uncertain significance (1 of 4 stars; one submission).

Conditions:
Familial hypobetalipoproteinemia 1. Also called: Hypobetalipoproteinemia, normotriglyceridemic; Acanthocytosis with hypobetalipoproteinemia; APOB-Related Familial Hypobetalipoproteinemia. Identifiers: MedGen C4551990, MONDO:0014252, OMIM 615558.
Hypercholesterolemia, autosomal dominant, type B (FHCL2). Also called: Familial Hypercholesterolemia Type B; APOLIPOPROTEIN B-100, FAMILIAL DEFECTIVE; APOLIPOPROTEIN B-100, FAMILIAL LIGAND-DEFECTIVE; HYPERCHOLESTEROLEMIA, FAMILIAL, DUE TO LIGAND-DEFECTIVE APOLIPOPROTEIN B; APOB-Related Familial Hypercholesterolemia, Autosomal Dominant; Hyperlipoproteinemia Type IIb. Identifiers: MedGen C1704417, MONDO:0007751, OMIM 144010.

Submission:

Labcorp Genetics (formerly Invitae), Labcorp
Classification: Uncertain significance for Familial hypobetalipoproteinemia 1; Hypercholesterolemia, autosomal dominant, type B. Last evaluated: 2025-06-18. Review status: criteria provided, single submitter. Criteria: Invitae Variant Classification Sherloc (09022015). Collection method: clinical testing. Allele origin: germline.
Comment: This sequence change replaces glutamine, which is neutral and polar, with arginine, which is basic and polar, at codon 4364 of the APOB protein (p.Gln4364Arg). This variant is not present in population databases (gnomAD no frequency). This variant has not been reported in the literature in individuals affected with APOB-related conditions. Invitae Evidence Modeling of protein sequence and biophysical properties (such as structural, functional, and spatial information, amino acid conservation, physicochemical variation, residue mobility, and thermodynamic stability) indicates that this missense variant is not expected to disrupt APOB protein function with a negative predictive value of 95%. In summary, the available evidence is currently insufficient to determine the role of this variant in disease. Therefore, it has been classified as a Variant of Uncertain Significance.